The following is an entry in ClinVar:

NM_000136.3(FANCC):c.1155-1G>T

Genes: AOPEP (aminopeptidase O (putative); plus strand), FANCC (FA complementation group C; minus strand). Cytogenetic location: 9q22.32.
Variant type: single nucleotide variant.
Coding change: c.1155-1G>T on transcript NM_000136.3 (MANE Select); the canonical splice acceptor site of the intron before coding-DNA position 1155, G replaced by T.
Molecular consequence: splice acceptor variant.
Genome position (GRCh38, 1-based): chr9:95,111,638, C>A on the plus strand (G>T on the coding strand, the complement: FANCC is on the minus strand). VCF-style: chr9-95111638-C-A. GRCh37 (hg19) VCF-style: chr9-97873920-C-A.
Other names: c.1155-1G>T (NM_001243743.2, NM_001243744.2).
Identifiers: ClinVar variation 2633303 (VCV002633303.1), dbSNP rs1554829575, ClinGen allele CA374107586.
Genomic context (GRCh38, chr9:95,111,638, plus strand): 5'-TCAGCCCATCCTCCGAAGTGAATGAACAGGAACCAGCTCTCAAAGGGACCTCCGCAGGAC[C>A]TGGAACAGAGGCAGAACACATGGCAGTTGACAACCTAAATTCTTCTTCCTTTGGGTTTTT-3'

ClinVar aggregate classification (germline): Likely pathogenic (1 of 4 stars; one submission).

Conditions:
FANCC-related disorder. Also called: FANCC-related condition.

Submission:

PreventionGenetics, part of Exact Sciences
Classification: Likely pathogenic for FANCC-related condition. Last evaluated: 2023-05-18. Review status: criteria provided, single submitter. Criteria: ACMG Guidelines, 2015. Collection method: clinical testing. Allele origin: germline.
Comment: The FANCC c.1155-1G>T variant is predicted to disrupt the AG splice acceptor site and interfere with normal splicing. To our knowledge, this variant has not been reported in the literature or in a large population database, indicating this variant is rare. Variants that disrupt the consensus splice acceptor site in FANCC are expected to be pathogenic. This variant is interpreted as likely pathogenic.